The following is an entry in ClinVar:

NM_001048174.2(MUTYH):c.496G>C (p.Val166Leu)

Gene: MUTYH (mutY DNA glycosylase; minus strand). Cytogenetic location: 1p34.1.
Variant type: single nucleotide variant.
Coding change: c.496G>C on transcript NM_001048174.2 (MANE Select); coding-DNA position 496, G replaced by C.
Protein change: p.Val166Leu; replaces valine 166 with leucine.
Molecular consequence: missense variant. On other transcripts: non-coding transcript variant (7).
Genome position (GRCh38, 1-based): chr1:45,332,684, C>G on the plus strand (G>C on the coding strand, the complement: MUTYH is on the minus strand). VCF-style: chr1-45332684-C-G. GRCh37 (hg19) VCF-style: chr1-45798356-C-G.
Other names: c.496G>C, p.Val166Leu (NM_001048171.2, NM_001048173.2, NM_001407070.1 and 6 more transcripts); c.499G>C, p.Val167Leu (NM_001048172.2, NM_001407071.1, NM_001407078.1 and 1 more transcripts); c.412G>C, p.Val138Leu (NM_001407075.1); c.529G>C, p.Val177Leu (NM_001407077.1, NM_001293191.2, NM_001407069.1); c.457G>C, p.Val153Leu (NM_001407079.1); c.454G>C, p.Val152Leu (NM_001407080.1); c.580G>C, p.Val194Leu (NM_001128425.2); c.541G>C, p.Val181Leu (NM_001293190.2); and 5 more; short protein forms V177L, V181L, V138L, V152L, V166L, V180L, V167L, V191L.
Identifiers: ClinVar variation 4113739 (VCV004113739.1).

ClinVar aggregate classification (germline): Uncertain significance (1 of 4 stars; one submission).

Conditions:
Hereditary cancer-predisposing syndrome. Also called: Hereditary neoplastic syndrome; Neoplastic Syndromes, Hereditary; Tumor predisposition; Hereditary Cancer Syndrome. Identifiers: Orphanet 140162, MedGen C0027672, MeSH D009386, MONDO:0015356.

Submission:

Ambry Genetics
Classification: Uncertain significance for Hereditary cancer-predisposing syndrome. Last evaluated: 2025-08-27. Review status: criteria provided, single submitter. Criteria: Ambry Variant Classification Scheme 2023. Collection method: clinical testing. Allele origin: germline.
Comment: The p.V194L variant (also known as c.580G>C), located in coding exon 8 of the MUTYH gene, results from a G to C substitution at nucleotide position 580. The valine at codon 194 is replaced by leucine, an amino acid with highly similar properties. This amino acid position is conserved. In addition, the in silico prediction for this alteration is inconclusive. Based on the available evidence, the clinical significance of this variant remains unclear.